The following is an entry in ClinVar:

ClinVar aggregate classification (germline): Uncertain significance (1 of 4 stars; one submission).

Conditions:
Gnathodiaphyseal dysplasia (GDD). Also called: GNATHODIAPHYSEAL SCLEROSIS; OSTEOGENESIS IMPERFECTA WITH UNUSUAL SKELETAL LESIONS. Identifiers: Orphanet 53697, MedGen C1833736, MONDO:0008151, OMIM 166260.
Autosomal recessive limb-girdle muscular dystrophy type 2L (LGMDR12). Also called: Limb-girdle muscular dystrophy, type 2L; MUSCULAR DYSTROPHY, LIMB-GIRDLE, AUTOSOMAL RECESSIVE 12; Limb-Girdle Muscular Dystrophy R12 Anoctamin-5-Related (LGMD-R12). Identifiers: Orphanet 206549, MedGen C1969785, MONDO:0012652, OMIM 611307.

Allele frequency attached by ClinVar (database versions not stated): gnomAD exomes below 0.00001; ExAC 0.00001; gnomAD 0.00001; TOPMed 0.00001.
gnomAD v4.1: 4 of 1,612,742 alleles (0.00025%); highest among the groups gnomAD compares: African/African-American, 0.0027%; no homozygotes.

Submission:

Labcorp Genetics (formerly Invitae), Labcorp
Classification: Uncertain significance for Autosomal recessive limb-girdle muscular dystrophy type 2L; Gnathodiaphyseal dysplasia. Last evaluated: 2022-04-01. Review status: criteria provided, single submitter. Criteria: Invitae Variant Classification Sherloc (09022015). Collection method: clinical testing. Allele origin: germline.
Comment: This variant has not been reported in the literature in individuals affected with ANO5-related conditions. Advanced modeling of protein sequence and biophysical properties (such as structural, functional, and spatial information, amino acid conservation, physicochemical variation, residue mobility, and thermodynamic stability) performed at Invitae indicates that this missense variant is not expected to disrupt ANO5 protein function. In summary, the available evidence is currently insufficient to determine the role of this variant in disease. Therefore, it has been classified as a Variant of Uncertain Significance. This variant is present in population databases (rs774936921, gnomAD 0.007%). This sequence change replaces isoleucine, which is neutral and non-polar, with methionine, which is neutral and non-polar, at codon 901 of the ANO5 protein (p.Ile901Met).

NM_213599.3(ANO5):c.2703T>G (p.Ile901Met)

Gene: ANO5 (anoctamin 5; plus strand). Cytogenetic location: 11p14.3.
Variant type: single nucleotide variant.
Coding change: c.2703T>G on transcript NM_213599.3 (MANE Select); coding-DNA position 2703, T replaced by G.
Protein change: p.Ile901Met; replaces isoleucine 901 with methionine.
Molecular consequence: missense variant.
Genome position (GRCh38, 1-based): chr11:22,279,726, T>G. VCF-style: chr11-22279726-T-G. GRCh37 (hg19) VCF-style: chr11-22301272-T-G.
Other names: c.2700T>G, p.Ile900Met (NM_001142649.2); c.2661T>G, p.Ile887Met (NM_001410963.1); c.2658T>G, p.Ile886Met (NM_001410964.1); short protein forms I887M, I900M, I886M, I901M.
Identifiers: ClinVar variation 2083271 (VCV002083271.4), dbSNP rs774936921, ClinGen allele CA5923643.
Genomic context (GRCh38, chr11:22,279,726, plus strand): 5'-CAACAAATTAAAAGAGAACTTGGGAATTAATTCTAATGAATTTGCCAAGCATGTCATGAT[T>G]GAGGAAAACAAAGCACAGCTGGCTAAATCAACACTCTAATCAGTATAGTGAGGAAGCAGC-3'
Protein context (NP_998764.1, residues 891-911): NSNEFAKHVM[Ile901Met]EENKAQLAKS